The following is an entry in ClinVar:

NM_001174089.2(SLC4A11):c.1349G>A (p.Trp450Ter)

Gene: SLC4A11 (solute carrier family 4 member 11; minus strand). Cytogenetic location: 20p13.
Variant type: single nucleotide variant.
Coding change: c.1349G>A on transcript NM_001174089.2 (MANE Select); coding-DNA position 1349, G replaced by A.
Protein change: p.Trp450Ter; replaces tryptophan 450 with a stop codon.
Molecular consequence: nonsense. On other transcripts: non-coding transcript variant (1).
Genome position (GRCh38, 1-based): chr20:3,230,581, C>T on the plus strand (G>A on the coding strand, the complement: SLC4A11 is on the minus strand). VCF-style: chr20-3230581-C-T. GRCh37 (hg19) VCF-style: chr20-3211227-C-T.
Other names: c.1478G>A, p.Trp493Ter (NM_001174090.2); c.1235G>A, p.Trp412Ter (NM_001363745.2); c.1397G>A, p.Trp466Ter (NM_032034.4); short protein forms W412*, W450*, W466*, W493*.
Identifiers: ClinVar variation 1068587 (VCV001068587.7), dbSNP rs2122541178, ClinGen allele CA408088683.
Genomic context (GRCh38, chr20:3,230,581, plus strand): 5'-AAGAGACTCATGACCAGGCTGAGGTTGAAAAAGGCATAAAGCGCAAGGAAGAAACTATTC[C>T]ACAGGCCCGTCCATGCGTAGAAGGAGTTGAAGTCCAGGTCATAGTCATCACAGATGACAC-3'

ClinVar aggregate classification (germline): Pathogenic (1 of 4 stars; one submission).

Submission:

Labcorp Genetics (formerly Invitae), Labcorp
Classification: Pathogenic. Last evaluated: 2023-09-08. Review status: criteria provided, single submitter. Criteria: Invitae Variant Classification Sherloc (09022015). Collection method: clinical testing. Allele origin: germline.
Comment: This variant is not present in population databases (gnomAD no frequency). This sequence change creates a premature translational stop signal (p.Trp466*) in the SLC4A11 gene. It is expected to result in an absent or disrupted protein product. Loss-of-function variants in SLC4A11 are known to be pathogenic (PMID: 17220209, 17679935). This variant has not been reported in the literature in individuals affected with SLC4A11-related conditions. For these reasons, this variant has been classified as Pathogenic. ClinVar contains an entry for this variant (Variation ID: 1068587).

Literature cited by the submitters: PubMed 17220209; PubMed 17679935.